The following is an entry in ClinVar:

NM_002234.4(KCNA5):c.551G>A (p.Arg184His)

Gene: KCNA5 (potassium voltage-gated channel subfamily A member 5; plus strand). Cytogenetic location: 12p13.32.
Variant type: single nucleotide variant.
Coding change: c.551G>A on transcript NM_002234.4 (MANE Select); coding-DNA position 551, G replaced by A.
Protein change: p.Arg184His; replaces arginine 184 with histidine.
Molecular consequence: missense variant.
Genome position (GRCh38, 1-based): chr12:5,044,698, G>A. VCF-style: chr12-5044698-G-A. GRCh37 (hg19) VCF-style: chr12-5153864-G-A.
Other names: short protein forms R184H.
Identifiers: ClinVar variation 191458 (VCV000191458.3), dbSNP rs375080039, ClinGen allele CA236713.

ClinVar aggregate classification (germline): Uncertain significance. Review status: criteria provided, multiple submitters, no conflicts (2 of 4 stars). 3 submissions from 3 submitters: Uncertain significance (3). Last evaluated 2025-10-08.

Conditions:
Atrial fibrillation, familial, 7 (ATFB7). Identifiers: MedGen C2677106, MONDO:0012828, OMIM 612240.

Allele frequency attached by ClinVar (database versions not stated): ExAC 0.00002; gnomAD exomes 0.00002 and 0.00003; TOPMed 0.00002; gnomAD 0.00003 and 0.00004; ESP Exome Variant Server 0.00015.

Submissions (3):

Labcorp Genetics (formerly Invitae), Labcorp
Classification: Uncertain significance for Atrial fibrillation, familial, 7. Last evaluated: 2025-10-08. Review status: criteria provided, single submitter. Criteria: Invitae Variant Classification Sherloc (09022015). Collection method: clinical testing. Allele origin: germline.
Comment: This sequence change replaces arginine, which is basic and polar, with histidine, which is basic and polar, at codon 184 of the KCNA5 protein (p.Arg184His). This variant is present in population databases (rs375080039, gnomAD 0.004%). This variant has not been reported in the literature in individuals affected with KCNA5-related conditions. ClinVar contains an entry for this variant (Variation ID: 191458). Invitae Evidence Modeling of protein sequence and biophysical properties (such as structural, functional, and spatial information, amino acid conservation, physicochemical variation, residue mobility, and thermodynamic stability) has been performed for this missense variant. However, the output from this modeling did not meet the statistical confidence thresholds required to predict the impact of this variant on KCNA5 protein function. In summary, the available evidence is currently insufficient to determine the role of this variant in disease. Therefore, it has been classified as a Variant of Uncertain Significance.

Fulgent Genetics
Classification: Uncertain significance for Atrial fibrillation, familial, 7. Last evaluated: 2021-07-26. Review status: criteria provided, single submitter. Criteria: ACMG Guidelines, 2015. Collection method: clinical testing. Allele origin: unknown.

Biesecker Lab/Clinical Genomics Section, National Institutes of Health
Classification: Uncertain significance. Last evaluated: 2013-06-24. Review status: criteria provided, single submitter. Criteria: Ng et al. (Circ Cardiovasc Genet. 2013). Collection method: research. Allele origin: unknown. Observed: 1 variant allele. Study: ClinSeq.
Comment: The study set was not selected for affection status in relation to any cancer. Pathogenicity categories were based on literature curation. See Pubmed ID:23861362 for details.

Medical sequencing